The following is an entry in ClinVar:

NM_153026.3(PRICKLE1):c.320A>C (p.Glu107Ala)

Genes: PRICKLE1 (prickle planar cell polarity protein 1; minus strand), LOC130007700 (ATAC-STARR-seq lymphoblastoid active region 6212; plus strand). Cytogenetic location: 12q12.
Variant type: single nucleotide variant.
Coding change: c.320A>C on transcript NM_153026.3 (MANE Select); coding-DNA position 320, A replaced by C.
Protein change: p.Glu107Ala; replaces glutamic acid 107 with alanine.
Molecular consequence: missense variant.
Genome position (GRCh38, 1-based): chr12:42,469,514, T>G on the plus strand (A>C on the coding strand, the complement: PRICKLE1 is on the minus strand). VCF-style: chr12-42469514-T-G. GRCh37 (hg19) VCF-style: chr12-42863316-T-G.
Other names: c.320A>C, p.Glu107Ala (NM_001144881.2, NM_001144882.2, NM_001144883.2); short protein forms E107A.
Identifiers: ClinVar variation 960539 (VCV000960539.5), dbSNP rs201983132, ClinGen allele CA6519937.
Genomic context (GRCh38, chr12:42,469,514, plus strand): 5'-TCACACACAGCATGCATGACTGCTCTGGACAGAAGCTTAATTGTTCCTCTTCCCAGTGCT[T>G]CTTTCTTCCGCTGAGCACTGAACACCTGCAACTCTTTTTTCTCCTCTTCACTCAAAGACT-3'
Protein context (NP_694571.2, residues 97-117): LQVFSAQRKK[Glu107Ala]ALGRGTIKLL

ClinVar aggregate classification (germline): Uncertain significance (1 of 4 stars; one submission).

Conditions:
Epilepsy, progressive myoclonic, 1B. Also called: PME. Identifiers: Orphanet 308, MedGen C2676254, MONDO:0012904, OMIM 612437.

Allele frequency attached by ClinVar (database versions not stated): ExAC 0.00001; gnomAD exomes 0.00001 and 0.00002.
gnomAD v4.1: 28 of 1,614,188 alleles (0.0017%); highest among the groups gnomAD compares: Non-Finnish European, 0.0023%; no homozygotes.

Submission:

Labcorp Genetics (formerly Invitae), Labcorp
Classification: Uncertain significance for Epilepsy, progressive myoclonic, 1B. Last evaluated: 2022-09-01. Review status: criteria provided, single submitter. Criteria: Invitae Variant Classification Sherloc (09022015). Collection method: clinical testing. Allele origin: germline.
Comment: This sequence change replaces glutamic acid, which is acidic and polar, with alanine, which is neutral and non-polar, at codon 107 of the PRICKLE1 protein (p.Glu107Ala). This variant is present in population databases (rs201983132, gnomAD 0.0009%). This variant has not been reported in the literature in individuals affected with PRICKLE1-related conditions. ClinVar contains an entry for this variant (Variation ID: 960539). Algorithms developed to predict the effect of missense changes on protein structure and function (SIFT, PolyPhen-2, Align-GVGD) all suggest that this variant is likely to be disruptive. In summary, the available evidence is currently insufficient to determine the role of this variant in disease. Therefore, it has been classified as a Variant of Uncertain Significance.